The following is an entry in ClinVar:

ClinVar aggregate classification (germline): Likely benign. Review status: criteria provided, multiple submitters, no conflicts (2 of 4 stars). 3 submissions from 3 submitters: Likely benign (3). Last evaluated 2018-01-13.

Conditions:
Kidney disorder. Also called: Nephropathy; Kidney disease; Kidney Diseases; renal disorder; renal disease. Identifiers: MedGen C0022658, MONDO:0005240, HP:0000112.
Nephronophthisis 7 (NPHP7). Identifiers: Orphanet 655, MedGen C1969092, MONDO:0012680, OMIM 611498.

Allele frequency attached by ClinVar (database versions not stated): 1000 Genomes Project 30x 0.01031; TOPMed 0.02581; gnomAD exomes 0.04615; 1000 Genomes Project 0.00919; gnomAD 0.03086.
gnomAD v4.1: 4,577 of 153,004 alleles (3%); highest among the groups gnomAD compares: Non-Finnish European, 4.6%; 89 homozygotes.

Submissions (3):

Illumina Laboratory Services, Illumina
Classification: Likely benign for Nephronophthisis 7. Last evaluated: 2018-01-13. Review status: criteria provided, single submitter. Criteria: ICSL Variant Classification Criteria 13 December 2019. Collection method: clinical testing. Allele origin: germline.
Comment: This variant was observed in the ICSL laboratory as part of a predisposition screen in an ostensibly healthy population. It had not been previously curated by ICSL or reported in the Human Gene Mutation Database (HGMD: prior to June 1st, 2018), and was therefore a candidate for classification through an automated scoring system. Utilizing variant allele frequency, disease prevalence and penetrance estimates, and inheritance mode, an automated score was calculated to assess if this variant is too frequent to cause the disease. Based on the score and internal cut-off values, a variant classified as likely benign is not then subjected to further curation. The score for this variant resulted in a classification of likely benign for this disease.

Genome Diagnostics Laboratory, The Hospital for Sick Children
Classification: Likely benign for Kidney disorder. Last evaluated: 2017-01-16. Review status: criteria provided, single submitter. Criteria: ACMG Guidelines, 2015. Collection method: clinical testing. Allele origin: germline.

Breakthrough Genomics
Classification: Likely benign. Review status: criteria provided, single submitter. Criteria: ACMG Guidelines, 2015. Collection method: not provided. Allele origin: germline. Inheritance: Unknown mechanism. Affected: yes.

NM_032575.3(GLIS2):c.*1203C>G

Gene: GLIS2 (GLIS family zinc finger 2; plus strand). Cytogenetic location: 16p13.3.
Variant type: single nucleotide variant.
Coding change: c.*1203C>G on transcript NM_032575.3 (MANE Select); 1203 bases downstream of the stop codon, C replaced by G.
Molecular consequence: 3 prime UTR variant.
Genome position (GRCh38, 1-based): chr16:4,338,727, C>G. VCF-style: chr16-4338727-C-G. GRCh37 (hg19) VCF-style: chr16-4388728-C-G.
Other names: c.*1203C>G (NM_001318918.2).
Identifiers: ClinVar variation 319255 (VCV000319255.8), dbSNP rs116981725, ClinGen allele CA10643641.